The following is an entry in ClinVar:

NM_017763.6(RNF43):c.1924T>G (p.Leu642Val)

Gene: RNF43 (ring finger protein 43; minus strand). Cytogenetic location: 17q22.
Variant type: single nucleotide variant.
Coding change: c.1924T>G on transcript NM_017763.6 (MANE Select); coding-DNA position 1924, T replaced by G.
Protein change: p.Leu642Val; replaces leucine 642 with valine.
Molecular consequence: missense variant.
Genome position (GRCh38, 1-based): chr17:58,357,852, A>C on the plus strand (T>G on the coding strand, the complement: RNF43 is on the minus strand). VCF-style: chr17-58357852-A-C. GRCh37 (hg19) VCF-style: chr17-56435213-A-C.
Other names: c.1924T>G, p.Leu642Val (NM_001305544.3); c.1543T>G, p.Leu515Val (NM_001305545.2); short protein forms L515V, L642V.
Identifiers: ClinVar variation 3946924 (VCV003946924.1).

ClinVar aggregate classification (germline): Uncertain significance (1 of 4 stars; one submission).

gnomAD v4.1: 1 of 1,613,968 alleles (0.000062%); no homozygotes.

Submission:

Ambry Genetics
Classification: Uncertain significance. Last evaluated: 2025-05-31. Review status: criteria provided, single submitter. Criteria: Ambry Variant Classification Scheme 2023. Collection method: clinical testing. Allele origin: germline.
Comment: The p.L642V variant (also known as c.1924T>G), located in coding exon 8 of the RNF43 gene, results from a T to G substitution at nucleotide position 1924. The leucine at codon 642 is replaced by valine, an amino acid with highly similar properties. This amino acid position is conserved. In addition, this alteration is predicted to be tolerated by in silico analysis. Based on the available evidence, the clinical significance of this variant remains unclear.